The following is an entry in ClinVar:

ClinVar aggregate classification (germline): Uncertain significance (1 of 4 stars; one submission).

Allele frequency attached by ClinVar (database versions not stated): gnomAD exomes below 0.00001; TOPMed below 0.00001; ExAC 0.00001; gnomAD 0.00001.
gnomAD v4.1: 9 of 1,613,296 alleles (0.00056%); highest among the groups gnomAD compares: East Asian, 0.0022%; no homozygotes.

Submission:

Labcorp Genetics (formerly Invitae), Labcorp
Classification: Uncertain significance. Last evaluated: 2021-09-24. Review status: criteria provided, single submitter. Criteria: Invitae Variant Classification Sherloc (09022015). Collection method: clinical testing. Allele origin: germline.
Comment: This sequence change replaces arginine with tryptophan at codon 228 of the RDH5 protein (p.Arg228Trp). The arginine residue is moderately conserved and there is a moderate physicochemical difference between arginine and tryptophan. This variant is present in population databases (rs747587996, ExAC 0.002%). This variant has not been reported in the literature in individuals with RDH5-related conditions. Algorithms developed to predict the effect of missense changes on protein structure and function (SIFT, PolyPhen-2, Align-GVGD) all suggest that this variant is likely to be disruptive, but these predictions have not been confirmed by published functional studies and their clinical significance is uncertain. In summary, the available evidence is currently insufficient to determine the role of this variant in disease. Therefore, it has been classified as a Variant of Uncertain Significance.

NM_002905.5(RDH5):c.682C>T (p.Arg228Trp)

Genes: RDH5 (retinol dehydrogenase 5; plus strand), BLOC1S1-RDH5 (BLOC1S1-RDH5 readthrough; plus strand), CD63 (CD63 molecule; minus strand). Cytogenetic location: 12q13.2.
Variant type: single nucleotide variant.
Coding change: c.682C>T on transcript NM_002905.5 (MANE Select); coding-DNA position 682, C replaced by T.
Protein change: p.Arg228Trp; replaces arginine 228 with tryptophan.
Molecular consequence: missense variant. On other transcripts: non-coding transcript variant (1).
Genome position (GRCh38, 1-based): chr12:55,723,998, C>T. VCF-style: chr12-55723998-C-T. GRCh37 (hg19) VCF-style: chr12-56117782-C-T.
Other names: c.682C>T, p.Arg228Trp (NM_001199771.3); short protein forms R228W.
Identifiers: ClinVar variation 1493469 (VCV001493469.5), dbSNP rs747587996, ClinGen allele CA6616908.